The following is an entry in ClinVar:

ClinVar aggregate classification (germline): Uncertain significance (1 of 4 stars; one submission).

Submission:

Labcorp Genetics (formerly Invitae), Labcorp
Classification: Uncertain significance. Last evaluated: 2025-02-18. Review status: criteria provided, single submitter. Criteria: Invitae Variant Classification Sherloc (09022015). Collection method: clinical testing. Allele origin: germline.
Comment: This sequence change replaces methionine, which is neutral and non-polar, with isoleucine, which is neutral and non-polar, at codon 207 of the CTNNA1 protein (p.Met207Ile). This variant is not present in population databases (gnomAD no frequency). This variant has not been reported in the literature in individuals affected with CTNNA1-related conditions. An algorithm developed to predict the effect of missense changes on protein structure and function (PolyPhen-2) suggests that this variant is likely to be tolerated. In summary, the available evidence is currently insufficient to determine the role of this variant in disease. Therefore, it has been classified as a Variant of Uncertain Significance.

NM_001903.5(CTNNA1):c.621G>T (p.Met207Ile)

Gene: CTNNA1 (catenin alpha 1; plus strand). Cytogenetic location: 5q31.2.
Variant type: single nucleotide variant.
Coding change: c.621G>T on transcript NM_001903.5 (MANE Select); coding-DNA position 621, G replaced by T.
Protein change: p.Met207Ile; replaces methionine 207 with isoleucine.
Molecular consequence: missense variant.
Genome position (GRCh38, 1-based): chr5:138,824,562, G>T. VCF-style: chr5-138824562-G-T. GRCh37 (hg19) VCF-style: chr5-138160251-G-T.
Other names: c.621G>T, p.Met207Ile (NM_001290307.3, NM_001323982.2, NM_001323983.1 and 3 more transcripts); c.312G>T, p.Met104Ile (NM_001290309.3); c.252G>T, p.Met84Ile (NM_001290310.3); short protein forms M104I, M84I, M207I.
Identifiers: ClinVar variation 4713323 (VCV004713323.1).